The following is an entry in ClinVar:

ClinVar aggregate classification (germline): Pathogenic (1 of 4 stars; one submission).

Submission:

Labcorp Genetics (formerly Invitae), Labcorp
Classification: Pathogenic. Last evaluated: 2022-06-17. Review status: criteria provided, single submitter. Criteria: Invitae Variant Classification Sherloc (09022015). Collection method: clinical testing. Allele origin: germline.
Comment: For these reasons, this variant has been classified as Pathogenic. Advanced modeling of protein sequence and biophysical properties (such as structural, functional, and spatial information, amino acid conservation, physicochemical variation, residue mobility, and thermodynamic stability) performed at Invitae indicates that this missense variant is expected to disrupt ATP2A2 protein function. This missense change has been observed in individual(s) with Darier disease (Invitae). In at least one individual the variant was observed to be de novo. This variant is not present in population databases (gnomAD no frequency). This sequence change replaces aspartic acid, which is acidic and polar, with valine, which is neutral and non-polar, at codon 980 of the ATP2A2 protein (p.Asp980Val).

NM_170665.4(ATP2A2):c.2939A>T (p.Asp980Val)

Gene: ATP2A2 (ATPase sarcoplasmic/endoplasmic reticulum Ca2+ transporting 2; plus strand). Cytogenetic location: 12q24.11.
Variant type: single nucleotide variant.
Coding change: c.2939A>T on transcript NM_170665.4 (MANE Select); coding-DNA position 2939, A replaced by T.
Protein change: p.Asp980Val; replaces aspartic acid 980 with valine.
Molecular consequence: missense variant.
Genome position (GRCh38, 1-based): chr12:110,346,280, A>T. VCF-style: chr12-110346280-A-T. GRCh37 (hg19) VCF-style: chr12-110784085-A-T.
Other names: c.2834A>T, p.Asp945Val (NM_001413013.1); c.2939A>T, p.Asp980Val (NM_001413014.1, NM_001681.4); c.2564A>T, p.Asp855Val (NM_001413015.1); short protein forms D855V, D945V, D980V.
Identifiers: ClinVar variation 2130898 (VCV002130898.4), dbSNP rs2548566690, ClinGen allele CA386678034.
Genomic context (GRCh38, chr12:110,346,280, plus strand): 5'-CGCTGAACGTGACCCAGTGGCTGATGGTGCTGAAAATCTCCTTGCCCGTGATTCTCATGG[A>T]TGAGACGCTCAAGTTTGTGGCCCGCAACTACCTGGAACCTGGTAAAGAGTGTGTGCAGCC-3'
Protein context (NP_733765.1, residues 970-990): LKISLPVILM[Asp980Val]ETLKFVARNY